The following is an entry in ClinVar:

NM_001370466.1(NOD2):c.664G>A (p.Glu222Lys)

Gene: NOD2 (nucleotide binding oligomerization domain containing 2; plus strand). Cytogenetic location: 16q12.1.
Variant type: single nucleotide variant.
Coding change: c.664G>A on transcript NM_001370466.1 (MANE Select); coding-DNA position 664, G replaced by A.
Protein change: p.Glu222Lys; replaces glutamic acid 222 with lysine.
Molecular consequence: missense variant. On other transcripts: non-coding transcript variant (1).
Genome position (GRCh38, 1-based): chr16:50,710,656, G>A. VCF-style: chr16-50710656-G-A. GRCh37 (hg19) VCF-style: chr16-50744567-G-A.
Other names: c.664G>A, p.Glu222Lys (NM_001293557.2); c.745G>A, p.Glu249Lys (NM_022162.3); short protein forms E249K, E222K.
Identifiers: ClinVar variation 2923525 (VCV002923525.3), dbSNP rs763743511, ClinGen allele CA8051388.

ClinVar aggregate classification (germline): Uncertain significance (1 of 4 stars; one submission).

Conditions:
Regional enteritis. Also called: Enteritis, Granulomatous. Identifiers: MedGen C0678202, MeSH D003424.
Blau syndrome (BLAUS). Also called: ARTHROCUTANEOUVEAL GRANULOMATOSIS; GRANULOMATOSIS, FAMILIAL JUVENILE SYSTEMIC; GRANULOMATOSIS, FAMILIAL, BLAU TYPE; GRANULOMATOUS INFLAMMATORY ARTHRITIS, DERMATITIS, AND UVEITIS, FAMILIAL; JABS SYNDROME. Identifiers: Orphanet 90340, MedGen C5201146, MONDO:0008523, OMIM 186580.

Allele frequency attached by ClinVar (database versions not stated): TOPMed below 0.00001; ExAC 0.00001; gnomAD exomes 0.00001.
gnomAD v4.1: 3 of 1,614,204 alleles (0.00019%); highest among the groups gnomAD compares: Admixed American, 0.005%; no homozygotes.

Submission:

Labcorp Genetics (formerly Invitae), Labcorp
Classification: Uncertain significance for Regional enteritis; Blau syndrome. Last evaluated: 2023-04-06. Review status: criteria provided, single submitter. Criteria: Invitae Variant Classification Sherloc (09022015). Collection method: clinical testing. Allele origin: germline.
Comment: This sequence change replaces glutamic acid, which is acidic and polar, with lysine, which is basic and polar, at codon 249 of the NOD2 protein (p.Glu249Lys). This variant is present in population databases (rs763743511, gnomAD 0.009%). This variant has not been reported in the literature in individuals affected with NOD2-related conditions. Advanced modeling of protein sequence and biophysical properties (such as structural, functional, and spatial information, amino acid conservation, physicochemical variation, residue mobility, and thermodynamic stability) performed at Invitae indicates that this missense variant is not expected to disrupt NOD2 protein function. In summary, the available evidence is currently insufficient to determine the role of this variant in disease. Therefore, it has been classified as a Variant of Uncertain Significance.